The following is an entry in ClinVar:

NM_001369.3(DNAH5):c.13132G>T (p.Glu4378Ter)

Gene: DNAH5 (dynein axonemal heavy chain 5; minus strand). Cytogenetic location: 5p15.2.
Variant type: single nucleotide variant.
Coding change: c.13132G>T on transcript NM_001369.3 (MANE Select); coding-DNA position 13132, G replaced by T.
Protein change: p.Glu4378Ter; replaces glutamic acid 4378 with a stop codon.
Molecular consequence: nonsense.
Genome position (GRCh38, 1-based): chr5:13,708,329, C>A on the plus strand (G>T on the coding strand, the complement: DNAH5 is on the minus strand). VCF-style: chr5-13708329-C-A. GRCh37 (hg19) VCF-style: chr5-13708438-C-A.
Other names: short protein forms E4378*.
Identifiers: ClinVar variation 5014691 (VCV005014691.1).

ClinVar aggregate classification (germline): Pathogenic (1 of 4 stars; one submission).

Conditions:
Primary ciliary dyskinesia 3. Identifiers: Orphanet 244, MedGen C1837618, MONDO:0012085, OMIM 608644.

Submission:

Myriad Genetics, Inc.
Classification: Pathogenic for Primary ciliary dyskinesia 3. Last evaluated: 2025-07-05. Review status: criteria provided, single submitter. Criteria: Myriad Autosomal Dominant, Autosomal Recessive and X-Linked Classification Criteria (2023). Collection method: clinical testing. Allele origin: unknown.
Comment: NM_001369.2(DNAH5):c.13132G>T(E4378*) is expected to be pathogenic in the context of primary ciliary dyskinesia, DNAH5-related. This variant is predicted to lead to an abnormal or absent protein product due to the creation of a premature termination codon in DNAH5, a gene where loss-of-function variants are known to be pathogenic. Please note: this variant was assessed in the context of healthy population screening.